The following is an entry in ClinVar:

NC_000001.10:g.(161277215_161279628)_(161279763_?)dup

Gene: MPZ (myelin protein zero; minus strand). Cytogenetic location: 1q23.3.
Variant type: Duplication.
Identifiers: ClinVar variation 2506219 (VCV002506219.1).

ClinVar aggregate classification (germline): Uncertain significance (1 of 4 stars; one submission).

Submission:

Women's Health and Genetics/Laboratory Corporation of America, LabCorp
Classification: Uncertain significance. Last evaluated: 2023-05-24. Review status: criteria provided, single submitter. Criteria: LabCorp Variant Classification Summary - May 2015. Collection method: clinical testing. Allele origin: germline.
Comment: Variant summary: The variant identified by MLPA or other technology involves the duplication of the first exon in the MPZ gene, where exon 1 contains the initiator codon. The exact breakpoint at the 5' end of this variant is unknown and therefore this duplication might extend upstream of the assayed region of the gene. A presumed nomenclature of c.(?_-68)_(67+1_68-1)dup has been designated for the purposes of this classification. It has been assumed that this is a tandem duplication in direct orientation (Richardson_GIM_2018, Newman_AJHG_2015). Since the exact breakpoints of this duplication are not known, it is not possible to predict if it causes an in-frame or out-of-frame product. The variant was absent in 21694 control chromosomes (gnomAD database, Structural Variants dataset). The available data on variant occurrences in the general population are insufficient to allow any conclusion about variant significance. To our knowledge, no occurrence of c.(?_-68)_(67+1_68-1)dup in individuals affected with MPZ-Related Disorders and no experimental evidence demonstrating its impact on protein function have been reported. One clinical diagnostic laboratory has submitted clinical-significance assessments for a similar variant to ClinVar after 2014 and classified the variant as uncertain significance. In conclusion, while it may be assumed that duplication variants including a large DNA segment upstream of the gene (i.e. containing essential promoter- and regulatory elements) might result in regular transcription initiation leading to an intact protein product, shorter tandem duplication variants involving the first exon, could result in a frameshift or in-frame duplication change causing disease. Since it is not possible to distinguish between these two outcomes in the context of this evaluation, the variant was classified as uncertain significance.